The following is an entry in ClinVar:

ClinVar aggregate classification (germline): Uncertain significance (1 of 4 stars; one submission).

Conditions:
Inborn genetic diseases. Identifiers: MedGen C0950123, MeSH D030342.

Submission:

Ambry Genetics
Classification: Uncertain significance for Inborn genetic diseases. Last evaluated: 2025-02-08. Review status: criteria provided, single submitter. Criteria: Ambry Variant Classification Scheme 2023. Collection method: clinical testing. Allele origin: germline.
Comment: The p.A24T variant (also known as c.70G>A), located in coding exon 1 of the BMPR2 gene, results from a G to A substitution at nucleotide position 70. The alanine at codon 24 is replaced by threonine, an amino acid with similar properties. This amino acid position is conserved. In addition, this alteration is predicted to be tolerated by in silico analysis. Based on the available evidence, the clinical significance of this variant remains unclear.

NM_001204.7(BMPR2):c.70G>A (p.Ala24Thr)

Gene: BMPR2 (bone morphogenetic protein receptor type 2; plus strand). Cytogenetic location: 2q33.1.
Variant type: single nucleotide variant.
Coding change: c.70G>A on transcript NM_001204.7 (MANE Select); coding-DNA position 70, G replaced by A.
Protein change: p.Ala24Thr; replaces alanine 24 with threonine.
Molecular consequence: missense variant.
Genome position (GRCh38, 1-based): chr2:202,377,544, G>A. VCF-style: chr2-202377544-G-A. GRCh37 (hg19) VCF-style: chr2-203242267-G-A.
Other names: short protein forms A24T.
Identifiers: ClinVar variation 3824889 (VCV003824889.1).